The following is an entry in ClinVar:

ClinVar aggregate classification (germline): Uncertain significance (1 of 4 stars; one submission).

Conditions:
Hereditary breast ovarian cancer syndrome. Also called: Hereditary breast and ovarian cancer syndrome (HBOC); Hereditary breast and ovarian cancer; Breast and ovarian cancer; Hereditary breast and/or ovarian cancer syndrome; BRCA1- and BRCA2-Associated Hereditary Breast and Ovarian Cancer; Hereditary breast and ovarian cancer syndrome. Identifiers: Orphanet 145, MedGen C0677776, MeSH D061325, MONDO:0003582. Disease mechanism: loss of function.

Submission:

Labcorp Genetics (formerly Invitae), Labcorp
Classification: Uncertain significance for Hereditary breast ovarian cancer syndrome. Last evaluated: 2025-02-12. Review status: criteria provided, single submitter. Criteria: Invitae Variant Classification Sherloc (09022015). Collection method: clinical testing. Allele origin: germline.
Comment: This sequence change replaces valine, which is neutral and non-polar, with leucine, which is neutral and non-polar, at codon 2171 of the BRCA2 protein (p.Val2171Leu). This variant is not present in population databases (gnomAD no frequency). This variant has not been reported in the literature in individuals affected with BRCA2-related conditions. Invitae Evidence Modeling of protein sequence and biophysical properties (such as structural, functional, and spatial information, amino acid conservation, physicochemical variation, residue mobility, and thermodynamic stability) indicates that this missense variant is not expected to disrupt BRCA2 protein function with a negative predictive value of 95%. In summary, the available evidence is currently insufficient to determine the role of this variant in disease. Therefore, it has been classified as a Variant of Uncertain Significance.

NM_000059.4(BRCA2):c.6511G>C (p.Val2171Leu)

Gene: BRCA2 (BRCA2 DNA repair associated; plus strand). Cytogenetic location: 13q13.1.
Variant type: single nucleotide variant.
Coding change: c.6511G>C on transcript NM_000059.4 (MANE Select); coding-DNA position 6511, G replaced by C.
Protein change: p.Val2171Leu; replaces valine 2171 with leucine.
Molecular consequence: missense variant. On other transcripts: non-coding transcript variant (1), intron variant (2).
Genome position (GRCh38, 1-based): chr13:32,340,866, G>C. VCF-style: chr13-32340866-G-C. GRCh37 (hg19) VCF-style: chr13-32915003-G-C.
Other names: c.6511G>C, p.Val2171Leu (NM_001406719.1, NM_001406720.1, NM_001432077.1); c.1910-3692G>C (NM_001406721.1); c.425-3692G>C (NM_001406722.1); short protein forms V2171L.
Identifiers: ClinVar variation 4802326 (VCV004802326.1).